The following is an entry in ClinVar:

NM_000051.4(ATM):c.365del (p.Asn122fs)

Gene: ATM (ATM serine/threonine kinase; plus strand). Cytogenetic location: 11q22.3.
Variant type: Deletion.
Coding change: c.365del on transcript NM_000051.4 (MANE Select); coding-DNA position 365, one base deleted (A; older notation c.365delA).
Protein change: p.Asn122fs; shifts the reading frame from asparagine 122.
Molecular consequence: frameshift variant.
Genome position (GRCh38, 1-based): chr11:108,235,703, A deleted; the last of 3 consecutive A bases (chr11:108,235,701-108,235,703); deleting any one gives the same sequence. VCF-style (leftmost placement, unchanged base first): chr11-108235700-TA-T. GRCh37 (hg19) VCF-style: chr11-108106427-TA-T.
Other names: c.365del, p.Asn122fs (NM_001351834.2); short protein forms N122fs.
Identifiers: ClinVar variation 2127902 (VCV002127902.5), dbSNP rs2497017106, ClinGen allele CA2580082966.

ClinVar aggregate classification (germline): Pathogenic. Review status: criteria provided, multiple submitters, no conflicts (2 of 4 stars). 2 submissions from 2 submitters: Pathogenic (2). Last evaluated 2025-05-01.

Conditions:
Hereditary cancer-predisposing syndrome. Also called: Hereditary Cancer Syndrome; Neoplastic Syndromes, Hereditary; Hereditary neoplastic syndrome; Tumor predisposition. Identifiers: Orphanet 140162, MedGen C0027672, MeSH D009386, MONDO:0015356.
Ataxia-telangiectasia syndrome (AT). Also called: Cerebello-oculocutaneous telangiectasia; Immunodeficiency with ataxia telangiectasia; Ataxia-telangiectasia, complementation group D; Ataxia telangiectasia (A-T); ATAXIA-TELANGIECTASIA, COMPLEMENTATION GROUP A; ATAXIA-TELANGIECTASIA, FRESNO VARIANT. Identifiers: Orphanet 100, MedGen C0004135, MONDO:0008840, OMIM 208900.

Submissions (2):

Ambry Genetics
Classification: Pathogenic for Hereditary cancer-predisposing syndrome. Last evaluated: 2025-05-01. Review status: criteria provided, single submitter. Criteria: Ambry Variant Classification Scheme 2023. Collection method: clinical testing. Allele origin: germline.
Comment: The c.365delA pathogenic mutation, located in coding exon 4 of the ATM gene, results from a deletion of one nucleotide at nucleotide position 365, causing a translational frameshift with a predicted alternate stop codon (p.N122Ifs*7). This variant is considered to be rare based on population cohorts in the Genome Aggregation Database (gnomAD). This alteration is expected to result in loss of function by premature protein truncation or nonsense-mediated mRNA decay. As such, this alteration is interpreted as a disease-causing mutation.

Labcorp Genetics (formerly Invitae), Labcorp
Classification: Pathogenic for Ataxia-telangiectasia syndrome. Last evaluated: 2024-11-09. Review status: criteria provided, single submitter. Criteria: Invitae Variant Classification Sherloc (09022015). Collection method: clinical testing. Allele origin: germline.
Comment: This sequence change creates a premature translational stop signal (p.Asn122Ilefs*7) in the ATM gene. It is expected to result in an absent or disrupted protein product. Loss-of-function variants in ATM are known to be pathogenic (PMID: 23807571, 25614872). This variant is not present in population databases (gnomAD no frequency). This variant has not been reported in the literature in individuals affected with ATM-related conditions. ClinVar contains an entry for this variant (Variation ID: 2127902). For these reasons, this variant has been classified as Pathogenic.

Literature cited by the submitters: PubMed 23807571 (cited by Labcorp Genetics (formerly Invitae), Labcorp); PubMed 25614872 (cited by Labcorp Genetics (formerly Invitae), Labcorp).